The following is an entry in ClinVar:

NM_001367624.2(ZNF469):c.8642G>T (p.Arg2881Leu)

Gene: ZNF469 (zinc finger protein 469; plus strand). Cytogenetic location: 16q24.2.
Variant type: single nucleotide variant.
Coding change: c.8642G>T on transcript NM_001367624.2 (MANE Select); coding-DNA position 8642, G replaced by T.
Protein change: p.Arg2881Leu; replaces arginine 2881 with leucine.
Molecular consequence: missense variant.
Genome position (GRCh38, 1-based): chr16:88,436,112, G>T. VCF-style: chr16-88436112-G-T. GRCh37 (hg19) VCF-style: chr16-88502520-G-T.
Other names: p.Arg2881Leu; short protein forms R2881L.
Identifiers: ClinVar variation 320992 (VCV000320992.12), dbSNP rs142753357, ClinGen allele CA10638614.

ClinVar aggregate classification (germline): Uncertain significance. Review status: criteria provided, multiple submitters, no conflicts (2 of 4 stars). 4 submissions from 4 submitters: Uncertain significance (4). Last evaluated 2025-02-19.

Conditions:
Cardiovascular phenotype. Identifiers: MedGen CN230736.

Allele frequency attached by ClinVar (database versions not stated): TOPMed 0.00001.
gnomAD v4.1: 22 of 1,548,682 alleles (0.0014%); highest among the groups gnomAD compares: Non-Finnish European, 0.0019%; no homozygotes.

Submissions (4):

Mayo Clinic Laboratories, Mayo Clinic
Classification: Uncertain significance. Last evaluated: 2025-02-19. Review status: criteria provided, single submitter. Criteria: ACMG Guidelines, 2015. Collection method: clinical testing. Allele origin: germline. Observed: 1 variant allele.
Comment: BP4_moderate, PM2_supporting

GeneDx
Classification: Uncertain significance. Last evaluated: 2024-09-25. Review status: criteria provided, single submitter. Criteria: GeneDx Variant Classification Process June 2021. Collection method: clinical testing. Allele origin: germline. Affected: yes.
Comment: Not observed at significant frequency in large population cohorts (gnomAD); In silico analysis supports that this missense variant has a deleterious effect on protein structure/function; Has not been previously published as pathogenic or benign to our knowledge

Ambry Genetics
Classification: Uncertain significance for Cardiovascular phenotype. Last evaluated: 2023-08-13. Review status: criteria provided, single submitter. Criteria: Ambry Variant Classification Scheme 2023. Collection method: clinical testing. Allele origin: germline.
Comment: The p.R2853L variant (also known as c.8558G>T), located in coding exon 2 of the ZNF469 gene, results from a G to T substitution at nucleotide position 8558. The arginine at codon 2853 is replaced by leucine, an amino acid with dissimilar properties. This amino acid position is conserved. In addition, this alteration is predicted to be tolerated by in silico analysis. Since supporting evidence is limited at this time, the clinical significance of this alteration remains unclear.

Labcorp Genetics (formerly Invitae), Labcorp
Classification: Uncertain significance. Last evaluated: 2022-08-15. Review status: criteria provided, single submitter. Criteria: Invitae Variant Classification Sherloc (09022015). Collection method: clinical testing. Allele origin: germline.
Comment: This sequence change replaces arginine, which is basic and polar, with leucine, which is neutral and non-polar, at codon 2853 of the ZNF469 protein (p.Arg2853Leu). This variant is present in population databases (no rsID available, gnomAD 0.004%). This variant has not been reported in the literature in individuals affected with ZNF469-related conditions. ClinVar contains an entry for this variant (Variation ID: 320992). Algorithms developed to predict the effect of missense changes on protein structure and function are either unavailable or do not agree on the potential impact of this missense change (SIFT: "Deleterious"; PolyPhen-2: "Probably Damaging"; Align-GVGD: "Class C0"). In summary, the available evidence is currently insufficient to determine the role of this variant in disease. Therefore, it has been classified as a Variant of Uncertain Significance.